The following continues an entry in ClinVar:

NM_000488.4(SERPINC1):c.1246G>T (p.Ala416Ser)

Gene: SERPINC1. ClinVar aggregate classification (germline): Pathogenic. Pathogenic (1).

Submissions 12 to 16 of 16:

ISTH-SSC Genomics in Thrombosis and Hemostasis, KU Leuven, Center for Molecular and Vascular Biology
Classification: Likely pathogenic for Hereditary antithrombin deficiency. Review status: no assertion criteria provided. Collection method: clinical testing. Allele origin: unknown. Not counted in ClinVar's aggregate classification.
Comment: Submitted to GoldVariant by Bilal Jradeh from Katharine Dormandy Haemophilia and Thrombosis Centre, Royal Free Hospital, London, UK

Labcorp Genetics (formerly Invitae), Labcorp
Classification: Likely benign for Hereditary antithrombin deficiency. Last evaluated: 2026-01-28. Review status: flagged submission. Criteria: Invitae Variant Classification Sherloc (09022015). Collection method: clinical testing. Allele origin: germline. Not counted in ClinVar's aggregate classification.
ClinVar note: Reason: Conflicts with expert reviewed submission without evidence to support different classification

Department of Pathology and Laboratory Medicine, Sinai Health System
Classification: Uncertain significance for Hereditary antithrombin deficiency. Last evaluated: 2023-08-29. Review status: flagged submission. Criteria: ACMG Guidelines, 2015. Collection method: research. Allele origin: germline. Not counted in ClinVar's aggregate classification.
ClinVar note: Reason: Conflicts with expert reviewed submission without evidence to support different classification

Birmingham Platelet Group; University of Birmingham
Classification: Uncertain significance for Thrombocytopenia; Abnormal bleeding. Last evaluated: 2020-05-01. Review status: flagged submission. Collection method: research. Allele origin: germline. Affected: yes. Not counted in ClinVar's aggregate classification.
ClinVar note: Reason: Conflicts with expert reviewed submission without evidence to support different classification

CSER _CC_NCGL, University of Washington
Classification: Uncertain significance for Antithrombin deficiency. Last evaluated: 2014-06-01. Review status: flagged submission. Collection method: research. Allele origin: germline. Inheritance: Autosomal dominant inheritance. Study: ESP 6500 variant annotation. Not counted in ClinVar's aggregate classification.
Comment: Variants classified for the Actionable exomic incidental findings in 6503 participants: challenges of variant classification manuscript
ClinVar note: Reason: Conflicts with expert reviewed submission without evidence to support different classification

Literature cited by the submitters: PubMed 2012760 (cited by Dasa and OMIM); PubMed 38347553 (cited by Dasa); PubMed 39675565 (cited by Dasa and Victorian Clinical Genetics Services, Murdoch Childrens Research Institute); PubMed 37201530 (cited by Dasa); PubMed 17244682 (cited by 3 submitters); PubMed 34800304 (cited by Victorian Clinical Genetics Services, Murdoch Childrens Research Institute and Mayo Clinic Laboratories, Mayo Clinic); PubMed 23429250 (cited by Victorian Clinical Genetics Services, Murdoch Childrens Research Institute); PubMed 9493570 (cited by Victorian Clinical Genetics Services, Murdoch Childrens Research Institute and Mayo Clinic Laboratories, Mayo Clinic); PubMed 33537542 (cited by Victorian Clinical Genetics Services, Murdoch Childrens Research Institute); PubMed 12907439 (cited by Mayo Clinic Laboratories, Mayo Clinic); PubMed 19277409 (cited by Mayo Clinic Laboratories, Mayo Clinic); PubMed 28317092 (cited by Mayo Clinic Laboratories, Mayo Clinic); PubMed 29378360 (cited by Mayo Clinic Laboratories, Mayo Clinic); PubMed 33917853 (cited by Mayo Clinic Laboratories, Mayo Clinic); PubMed 1906811 (cited by OMIM).